The following is an entry in ClinVar:

ClinVar aggregate classification (germline): Likely benign (0 of 4 stars; one submission).

Conditions:
KSR2-related disorder. Also called: KSR2-related condition.

Allele frequency attached by ClinVar (database versions not stated): TOPMed 0.00001.
gnomAD v4.1: 2 of 1,613,764 alleles (0.00012%); no homozygotes.

Submission:

PreventionGenetics, part of Exact Sciences
Classification: Likely benign for KSR2-related condition. Last evaluated: 2021-01-12. Review status: no assertion criteria provided. Collection method: clinical testing. Allele origin: germline.
Comment: This variant is classified as likely benign based on ACMG/AMP sequence variant interpretation guidelines (Richards et al. 2015 PMID: 25741868, with internal and published modifications).

NM_173598.6(KSR2):c.243G>A (p.Glu81=)

Gene: KSR2 (kinase suppressor of ras 2; minus strand). Cytogenetic location: 12q24.23.
Variant type: single nucleotide variant.
Coding change: c.243G>A on transcript NM_173598.6 (MANE Select); coding-DNA position 243, G replaced by A.
Protein change: p.Glu81=; no amino-acid change (glutamic acid 81 retained).
Molecular consequence: synonymous variant.
Genome position (GRCh38, 1-based): chr12:117,860,369, C>T on the plus strand (G>A on the coding strand, the complement: KSR2 is on the minus strand). VCF-style: chr12-117860369-C-T. GRCh37 (hg19) VCF-style: chr12-118298174-C-T.
Identifiers: ClinVar variation 3030805 (VCV003030805.2), dbSNP rs969014060, ClinGen allele CA245089526.